The following is an entry in ClinVar:

ClinVar aggregate classification (germline): Uncertain significance. Review status: criteria provided, multiple submitters, no conflicts (2 of 4 stars). 7 submissions from 6 submitters: Uncertain significance (7). Last evaluated 2023-08-01.

Conditions:
Inborn genetic diseases. Identifiers: MedGen C0950123, MeSH D030342.
Autosomal recessive nonsyndromic hearing loss 31. Also called: WHIRLER, MOUSE, HOMOLOG OF. Identifiers: Orphanet 90636, MedGen C1846839, MONDO:0011767, OMIM 607084.
Usher syndrome type 2D. Also called: USHER SYNDROME, TYPE IID. Identifiers: Orphanet 231178, Orphanet 886, MedGen C1568249, MONDO:0012662, OMIM 611383.

Allele frequency attached by ClinVar (database versions not stated): gnomAD exomes 0.00003 and 0.00005; gnomAD 0.00004 and 0.00005; ExAC 0.00005; TOPMed 0.00008.
gnomAD v4.1: 75 of 1,613,862 alleles (0.0046%); highest among the groups gnomAD compares: Non-Finnish European, 0.0059%; no homozygotes.

Submissions (7):

CeGaT Center for Human Genetics Tuebingen
Classification: Uncertain significance. Last evaluated: 2023-08-01. Review status: criteria provided, single submitter. Criteria: CeGaT Center For Human Genetics Tuebingen Variant Classification Criteria Version 2. Collection method: clinical testing. Allele origin: germline. Affected: yes. Observed: 1 variant allele.
Comment: WHRN: PM2

Blueprint Genetics
Classification: Uncertain significance. Last evaluated: 2023-05-04. Review status: criteria provided, single submitter. Criteria: ACMG Guidelines, 2015. Collection method: clinical testing. Allele origin: germline.

Labcorp Genetics (formerly Invitae), Labcorp
Classification: Uncertain significance. Last evaluated: 2022-06-24. Review status: criteria provided, single submitter. Criteria: Invitae Variant Classification Sherloc (09022015). Collection method: clinical testing. Allele origin: germline.
Comment: This sequence change replaces leucine, which is neutral and non-polar, with phenylalanine, which is neutral and non-polar, at codon 320 of the WHRN protein (p.Leu320Phe). This variant is present in population databases (rs780855079, gnomAD 0.007%). This variant has not been reported in the literature in individuals affected with WHRN-related conditions. ClinVar contains an entry for this variant (Variation ID: 811003). Algorithms developed to predict the effect of missense changes on protein structure and function are either unavailable or do not agree on the potential impact of this missense change (SIFT: "Deleterious"; PolyPhen-2: "Probably Damaging"; Align-GVGD: "Class C0"). In summary, the available evidence is currently insufficient to determine the role of this variant in disease. Therefore, it has been classified as a Variant of Uncertain Significance.

Ambry Genetics
Classification: Uncertain significance for Inborn genetic diseases. Last evaluated: 2021-07-15. Review status: criteria provided, single submitter. Criteria: Ambry Variant Classification Scheme 2023. Collection method: clinical testing. Allele origin: germline.

ARUP Laboratories, Molecular Genetics and Genomics, ARUP Laboratories
Classification: Uncertain significance. Last evaluated: 2018-10-09. Review status: criteria provided, single submitter. Criteria: ARUP Molecular Germline Variant Investigation Process. Collection method: clinical testing. Allele origin: germline.
Comment: The WHRN c.958C>T; p.Leu320Phe variant (rs780855079), to our knowledge, has not been reported in the medical literature or gene specific databases. This variant is found in the general population with an allele frequency in non-Finnish Europeans of 0.0004% (8/111,704 alleles) in the Genome Aggregation Database. The leucine at codon 320 is highly conserved and computational analyses (SIFT, PolyPhen-2) predict that this variant is deleterious. However, based on the available information, the clinical significance of this variant is uncertain.

Illumina Laboratory Services, Illumina
Classification: Uncertain significance for Autosomal recessive nonsyndromic hearing loss 31. Last evaluated: 2018-01-13. Review status: criteria provided, single submitter. Criteria: ICSL Variant Classification Criteria 13 December 2019. Collection method: clinical testing. Allele origin: germline.

Illumina Laboratory Services, Illumina
Classification: Uncertain significance for Usher syndrome type 2D. Last evaluated: 2018-01-13. Review status: criteria provided, single submitter. Criteria: ICSL Variant Classification Criteria 13 December 2019. Collection method: clinical testing. Allele origin: germline.

NM_015404.4(WHRN):c.958C>T (p.Leu320Phe)

Gene: WHRN (whirlin; minus strand). Cytogenetic location: 9q32.
Variant type: single nucleotide variant.
Coding change: c.958C>T on transcript NM_015404.4 (MANE Select); coding-DNA position 958, C replaced by T.
Protein change: p.Leu320Phe; replaces leucine 320 with phenylalanine.
Molecular consequence: missense variant. On other transcripts: 5 prime UTR variant (1).
Genome position (GRCh38, 1-based): chr9:114,466,272, G>A on the plus strand (C>T on the coding strand, the complement: WHRN is on the minus strand). VCF-style: chr9-114466272-G-A. GRCh37 (hg19) VCF-style: chr9-117228552-G-A.
Other names: c.-192C>T (NM_001083885.3); c.958C>T, p.Leu320Phe (NM_001173425.2); short protein forms L320F.
Identifiers: ClinVar variation 811003 (VCV000811003.44), dbSNP rs780855079, ClinGen allele CA5206117.